The following is an entry in ClinVar:

NM_002025.4(AFF2):c.1193del (p.Pro398fs)

Gene: AFF2 (ALF transcription elongation factor 2; plus strand). Cytogenetic location: Xq28.
Variant type: Deletion.
Coding change: c.1193del on transcript NM_002025.4 (MANE Select); coding-DNA position 1193, one base deleted (C; older notation c.1193delC).
Protein change: p.Pro398fs; shifts the reading frame from proline 398.
Molecular consequence: frameshift variant.
Genome position (GRCh38, 1-based): chrX:148,842,985, C deleted; the last of 4 consecutive C bases (chrX:148,842,982-148,842,985); deleting any one gives the same sequence. VCF-style (leftmost placement, unchanged base first): chrX-148842981-AC-A. GRCh37 (hg19) VCF-style: chrX-147924505-AC-A.
Other names: c.1094del, p.Pro365fs (NM_001169122.2, NM_001169125.2); c.1181del, p.Pro394fs (NM_001169123.2); c.1106del, p.Pro369fs (NM_001169124.2); c.116del, p.Pro39fs (NM_001170628.1); short protein forms P365fs, P369fs, P394fs, P398fs, P39fs.
Identifiers: ClinVar variation 5014438 (VCV005014438.1).

ClinVar aggregate classification (germline): Pathogenic (1 of 4 stars; one submission).

Conditions:
FRAXE. Also called: Fragile XE syndrome; FRAXE Syndrome; FRAXE intellectual disability; Intellectual developmental disorder, X-linked 109; Intellectual disability, X-linked, FRAXE type. Identifiers: Orphanet 100973, MedGen C0751157, MONDO:0010659, OMIM 309548. Disease mechanism: loss of function.

Submission:

Myriad Genetics, Inc.
Classification: Pathogenic for FRAXE. Last evaluated: 2025-05-14. Review status: criteria provided, single submitter. Criteria: Myriad Autosomal Dominant, Autosomal Recessive and X-Linked Classification Criteria (2023). Collection method: clinical testing. Allele origin: unknown.
Comment: NM_002025.3(AFF2):c.1193delC(P398Qfs*30) is expected to be pathogenic in the context of fragile XE syndrome. This variant is predicted to lead to an abnormal or absent protein product due to the creation of a premature termination codon in AFF2, a gene where loss-of-function variants are known to be pathogenic. Please note: this variant was assessed in the context of healthy population screening.